The following is an entry in ClinVar:

ClinVar aggregate classification (germline): Likely benign. Review status: criteria provided, multiple submitters, no conflicts (2 of 4 stars). 2 submissions from 2 submitters: Likely benign (2). Last evaluated 2026-03-01.

gnomAD v4.1: 452 of 1,613,068 alleles (0.028%); highest among the groups gnomAD compares: African/African-American, 0.51%; 4 homozygotes.

Submissions (2):

CeGaT Center for Human Genetics Tuebingen
Classification: Likely benign. Last evaluated: 2026-03-01. Review status: criteria provided, single submitter. Criteria: CeGaT Center For Human Genetics Tuebingen Variant Classification Criteria Version 2. Collection method: clinical testing. Allele origin: germline. Affected: yes. Observed: 1 variant allele.
Comment: ABCA2: BP4, BP7

Blueprint Genetics
Classification: Likely benign. Last evaluated: 2024-08-28. Review status: criteria provided, single submitter. Criteria: ACMG Guidelines, 2015. Collection method: clinical testing. Allele origin: germline.

NM_001606.5(ABCA2):c.1386C>T (p.Tyr462=)

Gene: ABCA2 (ATP binding cassette subfamily A member 2; minus strand). Cytogenetic location: 9q34.3.
Variant type: single nucleotide variant.
Coding change: c.1386C>T on transcript NM_001606.5 (MANE Select); coding-DNA position 1386, C replaced by T.
Protein change: p.Tyr462=; no amino-acid change (tyrosine 462 retained).
Molecular consequence: synonymous variant.
Genome position (GRCh38, 1-based): chr9:137,020,375, G>A on the plus strand (C>T on the coding strand, the complement: ABCA2 is on the minus strand). VCF-style: chr9-137020375-G-A. GRCh37 (hg19) VCF-style: chr9-139914827-G-A.
Other names: c.1383C>T, p.Tyr461= (NM_001411042.1); c.1476C>T, p.Tyr492= (NM_212533.3).
Identifiers: ClinVar variation 4821146 (VCV004821146.5).
Genomic context (GRCh38, chr9:137,020,375, plus strand): 5'-GAGCGTCCCAGACCCGTGCACCTTGAGGATGACGCGGTCGACCTCAGAGCCCGCAGGCGC[G>A]TACAGGATTTTGGGGTTGCTGGTCATGAGGTGCACGAGGAGGCCCAGGTTCCGCTGCTCC-3'
Protein context (NP_001597.2, residues 452-472): HLMTSNPKIL[Tyr462=]APAGSEVDRV